The following is an entry in ClinVar:

NM_001042492.3(NF1):c.7968_7970+2delinsACAC

Gene: NF1 (neurofibromin 1; plus strand). Cytogenetic location: 17q11.2.
Variant type: Indel.
Coding change: c.7968_7970+2delinsACAC on transcript NM_001042492.3 (MANE Select); coding-DNA position 7968 through the canonical splice donor site of the intron after coding-DNA position 7970, TGTGT replaced by ACAC.
Molecular consequence: splice donor variant.
Genome position (GRCh38, 1-based): chr17:31,357,367-31,357,371, TGTGT replaced by ACAC. VCF-style: chr17-31357367-TGTGT-ACAC. GRCh37 (hg19) VCF-style: chr17-29684385-TGTGT-ACAC.
Other names: c.7905_7907+2delTGTGTinsACAC (NM_000267.3); c.7905_7907+2delinsACAC (NM_000267.4).
Identifiers: ClinVar variation 827324 (VCV000827324.4), dbSNP rs1597867032, ClinGen allele CA915949919.

ClinVar aggregate classification (germline): Likely pathogenic (1 of 4 stars; one submission).

Conditions:
Hereditary cancer-predisposing syndrome. Also called: Neoplastic Syndromes, Hereditary; Tumor predisposition; Hereditary neoplastic syndrome; Hereditary Cancer Syndrome. Identifiers: Orphanet 140162, MedGen C0027672, MeSH D009386, MONDO:0015356.
Cardiovascular phenotype. Identifiers: MedGen CN230736.

Submission:

Ambry Genetics
Classification: Likely pathogenic for Cardiovascular phenotype; Hereditary cancer-predisposing syndrome. Last evaluated: 2019-02-23. Review status: criteria provided, single submitter. Criteria: Ambry Variant Classification Scheme 2023. Collection method: clinical testing. Allele origin: germline.
Comment: The c.7905_7907+2delTGTGTinsACAC variant results from a deletion of TGTGT and insertion of ACAC at the boundary of coding exon 53 and intron 53 of the NF1 gene. These nucleotide positions are well conserved in available vertebrate species. Using the BDGP and ESEfinder splice site prediction tools, this alteration is predicted to abolish the native splice donor site; however, direct evidence is unavailable. Alterations that disrupt the canonical splice site are expected to cause aberrant splicing, resulting in an abnormal protein or a transcript that is subject to nonsense-mediated mRNA decay. As such, this alteration is classified as likely pathogenic.